The following is an entry in ClinVar:

ClinVar aggregate classification (germline): Benign/Likely benign. Review status: criteria provided, multiple submitters, no conflicts (2 of 4 stars). 5 submissions from 5 submitters: Benign (1); Likely benign (2). 2 of the submissions do not count toward it. Last evaluated 2026-01-31.

Conditions:
MED17-related disorder. Also called: MED17-related condition.
Inborn genetic diseases. Identifiers: MedGen C0950123, MeSH D030342.
Infantile cerebral and cerebellar atrophy with postnatal progressive microcephaly (MSBA). Identifiers: Orphanet 402364, MedGen C3150921, MONDO:0013351, OMIM 613668.

Allele frequency attached by ClinVar (database versions not stated): ESP Exome Variant Server 0.00203; gnomAD 0.00262 and 0.00282; TOPMed 0.00296; 1000 Genomes Project 0.00359; 1000 Genomes Project 30x 0.00359.

Submissions (5):

Labcorp Genetics (formerly Invitae), Labcorp
Classification: Benign. Last evaluated: 2026-01-31. Review status: criteria provided, single submitter. Criteria: Invitae Variant Classification Sherloc (09022015). Collection method: clinical testing. Allele origin: germline.

Ambry Genetics
Classification: Likely benign for Inborn genetic diseases. Last evaluated: 2021-12-07. Review status: criteria provided, single submitter. Criteria: Ambry Variant Classification Scheme 2023. Collection method: clinical testing. Allele origin: germline.

GeneDx
Classification: Likely benign. Last evaluated: 2020-10-22. Review status: criteria provided, single submitter. Criteria: GeneDx Variant Classification Process June 2021. Collection method: clinical testing. Allele origin: germline. Affected: yes.

Natera, Inc.
Classification: Uncertain significance for Postnatal progressive microcephaly with seizures and brain atrophy. Last evaluated: 2020-04-17. Review status: no assertion criteria provided. Collection method: clinical testing. Allele origin: germline. Not counted in ClinVar's aggregate classification.

PreventionGenetics, part of Exact Sciences
Classification: Benign for MED17-related condition. Last evaluated: 2019-05-20. Review status: no assertion criteria provided. Collection method: clinical testing. Allele origin: germline. Not counted in ClinVar's aggregate classification.
Comment: This variant is classified as benign based on ACMG/AMP sequence variant interpretation guidelines (Richards et al. 2015 PMID: 25741868, with internal and published modifications).

NM_004268.5(MED17):c.224C>G (p.Ser75Cys)

Genes: MED17 (mediator complex subunit 17; plus strand), LOC130006596 (ATAC-STARR-seq lymphoblastoid silent region 3840; plus strand). Cytogenetic location: 11q21.
Variant type: single nucleotide variant.
Coding change: c.224C>G on transcript NM_004268.5 (MANE Select); coding-DNA position 224, C replaced by G.
Protein change: p.Ser75Cys; replaces serine 75 with cysteine.
Molecular consequence: missense variant.
Genome position (GRCh38, 1-based): chr11:93,784,737, C>G. VCF-style: chr11-93784737-C-G. GRCh37 (hg19) VCF-style: chr11-93517903-C-G.
Other names: short protein forms S75C.
Identifiers: ClinVar variation 724157 (VCV000724157.17), dbSNP rs184914659, ClinGen allele CA6232270.
Genomic context (GRCh38, chr11:93,784,737, plus strand): 5'-CCGAGGAGGAGGAGGCGGCGGGGACCGAGGGCGACGCGCAGGAGTGGCCGGGCGCCGGGT[C>G]CAGCGCAGACCAGGACGACGAGGAAGGTAAGGCCTGCATCCGCTGCCCGAGTCCCCCGGT-3'
Protein context (NP_004259.3, residues 65-85): GDAQEWPGAG[Ser75Cys]SADQDDEEGV